The following is an entry in ClinVar:

NC_000001.10:g.(?_92941586)_(93307422_?)del

Genes: SNORD21 (small nucleolar RNA, C/D box 21; plus strand), GFI1 (growth factor independent 1 transcriptional repressor; minus strand), EVI5 (ecotropic viral integration site 5; minus strand), RPL5 (ribosomal protein L5; plus strand), DIPK1A (divergent protein kinase domain 1A; minus strand). Cytogenetic location: 1p22.1.
Variant type: Deletion.
Identifiers: ClinVar variation 2425332 (VCV002425332.3).

ClinVar aggregate classification (germline): Uncertain significance (1 of 4 stars; one submission).

Conditions:
Neutropenia, severe congenital, 2, autosomal dominant. Identifiers: Orphanet 486, MedGen C2751288, MONDO:0013139, OMIM 613107.

Submission:

Labcorp Genetics (formerly Invitae), Labcorp
Classification: Uncertain significance for Neutropenia, severe congenital, 2, autosomal dominant. Last evaluated: 2021-11-15. Review status: criteria provided, single submitter. Criteria: Invitae Variant Classification Sherloc (09022015). Collection method: clinical testing. Allele origin: germline.
Comment: A gross deletion of the genomic region encompassing the full coding sequence of the GFI1 gene has been identified. The current clinical and genetic evidence is not sufficient to establish whether loss-of-function variants in GFI1 cause disease. The boundaries of this event are unknown as they extend beyond the assayed region for this gene and therefore may encompass additional genes. This variant has not been reported in the literature in individuals affected with GFI1-related conditions. In summary, the available evidence is currently insufficient to determine the role of this variant in disease. Therefore, it has been classified as a Variant of Uncertain Significance.